The following is an entry in ClinVar:

NM_000092.5(COL4A4):c.2870G>A (p.Gly957Glu)

Gene: COL4A4 (collagen type IV alpha 4 chain; minus strand). Cytogenetic location: 2q36.3.
Variant type: single nucleotide variant.
Coding change: c.2870G>A on transcript NM_000092.5 (MANE Select); coding-DNA position 2870, G replaced by A.
Protein change: p.Gly957Glu; replaces glycine 957 with glutamic acid.
Molecular consequence: missense variant.
Genome position (GRCh38, 1-based): chr2:227,052,403, C>T on the plus strand (G>A on the coding strand, the complement: COL4A4 is on the minus strand). VCF-style: chr2-227052403-C-T. GRCh37 (hg19) VCF-style: chr2-227917119-C-T.
Other names: short protein forms G957E.
Identifiers: ClinVar variation 2734407 (VCV002734407.3), dbSNP rs1559503562, ClinGen allele CA350839547.

ClinVar aggregate classification (germline): Pathogenic (1 of 4 stars; one submission).

Submission:

Labcorp Genetics (formerly Invitae), Labcorp
Classification: Pathogenic. Last evaluated: 2023-02-03. Review status: criteria provided, single submitter. Criteria: Invitae Variant Classification Sherloc (09022015). Collection method: clinical testing. Allele origin: germline.
Comment: This missense change has been observed in individual(s) with autosomal dominant benign familial hematuria (PMID: 11685592). It has also been observed to segregate with disease in related individuals. For these reasons, this variant has been classified as Pathogenic. This variant disrupts the p.Gly957 amino acid residue in COL4A4. Other variant(s) that disrupt this residue have been determined to be pathogenic (PMID: 15086897, 27281700). This suggests that this residue is clinically significant, and that variants that disrupt this residue are likely to be disease-causing. Advanced modeling of protein sequence and biophysical properties (such as structural, functional, and spatial information, amino acid conservation, physicochemical variation, residue mobility, and thermodynamic stability) performed at Invitae indicates that this missense variant is expected to disrupt COL4A4 protein function. This variant is also known as 3078G>A. This variant is not present in population databases (gnomAD no frequency). This sequence change replaces glycine, which is neutral and non-polar, with glutamic acid, which is acidic and polar, at codon 957 of the COL4A4 protein (p.Gly957Glu).

Literature cited by the submitters: PubMed 11685592; PubMed 15086897; PubMed 27281700.